The following is an entry in ClinVar:

ClinVar aggregate classification (germline): Uncertain significance. Review status: criteria provided, single submitter (1 of 4 stars). 2 submissions from 2 submitters: Uncertain significance (1). 1 of the submissions does not count toward it. Last evaluated 2021-08-02.

Conditions:
Inborn genetic diseases. Identifiers: MedGen C0950123, MeSH D030342.
ADCY3-related disorder. Also called: ADCY3-related condition.

Allele frequency attached by ClinVar (database versions not stated): gnomAD 0.00004; TOPMed 0.00005.
gnomAD v4.1: 9 of 1,614,086 alleles (0.00056%); highest among the groups gnomAD compares: Admixed American, 0.0067%; no homozygotes.

Submissions (2):

Ambry Genetics
Classification: Uncertain significance for Inborn genetic diseases. Last evaluated: 2021-08-02. Review status: criteria provided, single submitter. Criteria: Ambry Variant Classification Scheme 2023. Collection method: clinical testing. Allele origin: germline.

PreventionGenetics, part of Exact Sciences
Classification: Uncertain significance for ADCY3-related condition. Last evaluated: 2023-11-27. Review status: no assertion criteria provided. Collection method: clinical testing. Allele origin: germline. Not counted in ClinVar's aggregate classification.
Comment: The ADCY3 c.2726A>C variant is predicted to result in the amino acid substitution p.Lys909Thr. To our knowledge, this variant has not been reported in the literature or in a large population database, indicating this variant is rare. At this time, the clinical significance of this variant is uncertain due to the absence of conclusive functional and genetic evidence.

NM_004036.5(ADCY3):c.2723A>C (p.Lys908Thr)

Gene: ADCY3 (adenylate cyclase 3; minus strand). Cytogenetic location: 2p23.3.
Variant type: single nucleotide variant.
Coding change: c.2723A>C on transcript NM_004036.5 (MANE Select); coding-DNA position 2723, A replaced by C.
Protein change: p.Lys908Thr; replaces lysine 908 with threonine.
Molecular consequence: missense variant.
Genome position (GRCh38, 1-based): chr2:24,824,391, T>G on the plus strand (A>C on the coding strand, the complement: ADCY3 is on the minus strand). VCF-style: chr2-24824391-T-G. GRCh37 (hg19) VCF-style: chr2-25047260-T-G.
Other names: c.2726A>C, p.Lys909Thr (NM_001320613.2); c.2789A>C, p.Lys930Thr (NM_001377128.1); c.2585A>C, p.Lys862Thr (NM_001377129.1); c.2318A>C, p.Lys773Thr (NM_001377130.1); c.2000A>C, p.Lys667Thr (NM_001377131.1); c.2723A>C, p.Lys908Thr (NM_001377132.1); c.2726A>C (NM_001320613.1); short protein forms K862T, K930T, K667T, K908T, K909T, K773T.
Identifiers: ClinVar variation 2240995 (VCV002240995.4), dbSNP rs1668298380, ClinGen allele CA346063380.